The following is an entry in ClinVar:

ClinVar aggregate classification (germline): Uncertain significance (1 of 4 stars; one submission).

gnomAD v4.1: 12 of 1,610,934 alleles (0.00074%); highest among the groups gnomAD compares: South Asian, 0.0022%; no homozygotes.

Submission:

Ambry Genetics
Classification: Uncertain significance. Last evaluated: 2025-03-26. Review status: criteria provided, single submitter. Criteria: Ambry Variant Classification Scheme 2023. Collection method: clinical testing. Allele origin: germline.
Comment: The p.P1096L variant (also known as c.3287C>T), located in coding exon 12 of the WNK2 gene, results from a C to T substitution at nucleotide position 3287. The proline at codon 1096 is replaced by leucine, an amino acid with similar properties. This amino acid position is conserved. In addition, this alteration is predicted to be tolerated by in silico analysis. Based on the available evidence, the clinical significance of this variant remains unclear.

NM_006648.4(WNK2):c.3287C>T (p.Pro1096Leu)

Gene: WNK2 (WNK lysine deficient protein kinase 2; plus strand). Cytogenetic location: 9q22.31.
Variant type: single nucleotide variant.
Coding change: c.3287C>T on transcript NM_006648.4 (MANE Select); coding-DNA position 3287, C replaced by T.
Protein change: p.Pro1096Leu; replaces proline 1096 with leucine.
Molecular consequence: missense variant.
Genome position (GRCh38, 1-based): chr9:93,262,034, C>T. VCF-style: chr9-93262034-C-T. GRCh37 (hg19) VCF-style: chr9-96024316-C-T.
Other names: c.3287C>T, p.Pro1096Leu (NM_001282394.3); short protein forms P1096L.
Identifiers: ClinVar variation 3981729 (VCV003981729.1).
Genomic context (GRCh38, chr9:93,262,034, plus strand): 5'-TGTCTGCCTCTGTGCAGAGTGTGCCCACCCAGACTGCCACACTTCTGCCACCAGCAAACC[C>T]ACCGCTGCCTGGCGGGCCCGGGATCGCCAGCCCTTGCCCAACTGTCCAGCTGACGGTGGA-3'
Protein context (NP_006639.3, residues 1086-1106): QTATLLPPAN[Pro1096Leu]PLPGGPGIAS